The following is an entry in ClinVar:

ClinVar aggregate classification (germline): Conflicting classifications of pathogenicity. Review status: criteria provided, conflicting classifications (1 of 4 stars). 16 submissions from 16 submitters: Uncertain significance (7); Benign (1); Likely benign (4). 4 of the submissions do not count toward it. Last evaluated 2026-08-01.

Conditions:
Charcot-Marie-Tooth disease. Also called: Charcot-Marie-Tooth Hereditary Neuropathy; Charcot-Marie-Tooth Neuropathy. Identifiers: Orphanet 166, MedGen C0007959, MONDO:0015626.
Inborn genetic diseases. Identifiers: MedGen C0950123, MeSH D030342.
Charcot-Marie-Tooth disease type 4. Also called: Charcot-Marie-Tooth disease, type IV; Charcot-Marie-Tooth, Type 4. Identifiers: Orphanet 64749, MedGen C4082197, MONDO:0018995.
Charcot-Marie-Tooth disease type 4F. Also called: Charcot-Marie-Tooth disease, demyelinating, type 4F. Identifiers: Orphanet 99952, MedGen C3540453, MONDO:0013959, OMIM 614895.

Allele frequency attached by ClinVar (database versions not stated): 1000 Genomes Project 30x 0.00016; 1000 Genomes Project 0.00020; gnomAD exomes 0.00057 and 0.00078; TOPMed 0.00114; ExAC 0.00122; ESP Exome Variant Server 0.00131; gnomAD 0.00131 and 0.00136.
gnomAD v4.1: 1,320 of 1,608,936 alleles (0.082%); highest among the groups gnomAD compares: Non-Finnish European, 0.1%; 2 homozygotes.

Submissions (16):

CeGaT Center for Human Genetics Tuebingen
Classification: Likely benign. Last evaluated: 2026-08-01. Review status: criteria provided, single submitter. Criteria: CeGaT Center For Human Genetics Tuebingen Variant Classification Criteria Version 2. Collection method: clinical testing. Allele origin: germline. Affected: yes. Observed: 28 variant alleles.
Comment: PRX: BP4, BS1

Mayo Clinic Laboratories, Mayo Clinic
Classification: Uncertain significance. Last evaluated: 2025-07-16. Review status: criteria provided, single submitter. Criteria: ACMG Guidelines, 2015. Collection method: clinical testing. Allele origin: germline. Observed: 10 variant alleles.
Comment: BP4_moderate

Blueprint Genetics
Classification: Uncertain significance. Last evaluated: 2024-11-21. Review status: criteria provided, single submitter. Criteria: ACMG Guidelines, 2015. Collection method: clinical testing. Allele origin: germline.

Ambry Genetics
Classification: Likely benign for Inborn genetic diseases. Last evaluated: 2024-10-30. Review status: criteria provided, single submitter. Criteria: Ambry Variant Classification Scheme 2023. Collection method: clinical testing. Allele origin: germline.

ARUP Laboratories, Molecular Genetics and Genomics, ARUP Laboratories
Classification: Uncertain significance. Last evaluated: 2024-10-16. Review status: criteria provided, single submitter. Criteria: ARUP Molecular Germline Variant Investigation Process 2024. Collection method: clinical testing. Allele origin: germline.
Comment: The PRX c.1574T>C; p.Val525Ala variant (rs149715830, ClinVar Variation ID: 242179) is reported in individuals affected with CMT and inherited neuropathies (McCreary 2019, SchabhÃ¼ttl 2014, Volodarsky 2021). This variant is found predominantly in the non-Finnish European population with an allele frequency of 0.12% (160/128,602 alleles) in the Genome Aggregation Database (v2.1.1). Computational analyses predict that this variant is neutral (REVEL: 0.063). Due to limited information, the clinical significance of this variant is uncertain at this time. References: McCreary D et al. Development and Validation of a Targeted Next-Generation Sequencing Gene Panel for Children With Neuroinflammation. JAMA Netw Open. 2019 Oct 2. PMID: 31664448. SchabhÃ¼ttl M et al. Whole-exome sequencing in patients with inherited neuropathies: outcome and challenges. J Neurol. 2014 May. PMID: 24627108. Volodarsky M et al. Comprehensive genetic sequence and copy number analysis for Charcot-Marie-Tooth disease in a Canadian cohort of 2517 patients. J Med Genet. 2021 Apr. PMID: 32376792.

Athena Diagnostics
Classification: Benign. Last evaluated: 2024-07-05. Review status: criteria provided, single submitter. Criteria: Athena Diagnostics Criteria. Collection method: clinical testing. Allele origin: unknown.

Women's Health and Genetics/Laboratory Corporation of America, LabCorp
Classification: Uncertain significance. Last evaluated: 2024-02-12. Review status: criteria provided, single submitter. Criteria: LabCorp Variant Classification Summary - May 2015. Collection method: clinical testing. Allele origin: germline.
Comment: Variant summary: PRX c.1574T>C (p.Val525Ala) results in a non-conservative amino acid change in the encoded protein sequence. Four of five in-silico tools predict a benign effect of the variant on protein function. The variant allele was found at a frequency of 0.00057 in 250708 control chromosomes, predominantly at a frequency of 0.001 within the Non-Finnish European subpopulation in the gnomAD database. c.1574T>C has been reported in the literature in several individuals affected with Inherited peripheral neuropathies or undertaking neuroinflammation/CMT panel testing, without strong evidence for causality (example, McCreary_2019, Schabhuttl_2014, Volodarsky_2021). These report(s) do not provide unequivocal conclusions about association of the variant with PRX-Related Disorders. To our knowledge, no experimental evidence demonstrating an impact on protein function has been reported. The following publications have been ascertained in the context of this evaluation (PMID: 31664448, 24627108, 32376792). ClinVar contains an entry for this variant (Variation ID: 242179). Based on the evidence outlined above, the variant was classified as uncertain significance.

Labcorp Genetics (formerly Invitae), Labcorp
Classification: Uncertain significance for Charcot-Marie-Tooth disease type 4. Last evaluated: 2024-01-25. Review status: criteria provided, single submitter. Criteria: Invitae Variant Classification Sherloc (09022015). Collection method: clinical testing. Allele origin: germline.
Comment: This sequence change replaces valine, which is neutral and non-polar, with alanine, which is neutral and non-polar, at codon 525 of the PRX protein (p.Val525Ala). This variant is present in population databases (rs149715830, gnomAD 0.1%), and has an allele count higher than expected for a pathogenic variant. This missense change has been observed in individual(s) with clinical features of PRX-related conditions (PMID: 24627108, 26392352, 32376792). ClinVar contains an entry for this variant (Variation ID: 242179). Algorithms developed to predict the effect of missense changes on protein structure and function output the following: SIFT: "Not Available"; PolyPhen-2: "Benign"; Align-GVGD: "Not Available". The alanine amino acid residue is found in multiple mammalian species, which suggests that this missense change does not adversely affect protein function. In summary, the available evidence is currently insufficient to determine the role of this variant in disease. Therefore, it has been classified as a Variant of Uncertain Significance.

GeneDx
Classification: Likely benign. Last evaluated: 2020-10-29. Review status: criteria provided, single submitter. Criteria: GeneDx Variant Classification Process June 2021. Collection method: clinical testing. Allele origin: germline. Affected: yes.
Comment: This variant is associated with the following publications: (PMID: 24627108, 26392352, 32376792)

Eurofins Ntd Llc (ga)
Classification: Uncertain significance. Last evaluated: 2018-05-01. Review status: criteria provided, single submitter. Criteria: EGL ClinVar v180209 classification definitions. Collection method: clinical testing. Allele origin: germline. Observed: 1 variant allele, 1 heterozygote.

Illumina Laboratory Services, Illumina
Classification: Uncertain significance for Charcot-Marie-Tooth disease type 4F. Last evaluated: 2018-01-13. Review status: criteria provided, single submitter. Criteria: ICSL Variant Classification Criteria 13 December 2019. Collection method: clinical testing. Allele origin: germline.

Molecular Genetics Laboratory, London Health Sciences Centre
Classification: Likely benign for Charcot-Marie-Tooth disease. Review status: criteria provided, single submitter. Criteria: ACMG Guidelines, 2015. Collection method: clinical testing. Allele origin: germline. Affected: yes.

Clinical Genetics, Academic Medical Center
Classification: Likely benign. Review status: no assertion criteria provided. Collection method: clinical testing. Allele origin: germline. Affected: yes. Study: VKGL Data-share Consensus. Not counted in ClinVar's aggregate classification.

Department of Pathology and Laboratory Medicine, Sinai Health System
Classification: Uncertain significance. Review status: no assertion criteria provided. Collection method: clinical testing. Allele origin: unknown. Affected: yes. Study: The Canadian Open Genetics Repository (COGR). Not counted in ClinVar's aggregate classification.
Comment: The PRX p.Val525Ala variant was identified in 3 of 950 proband chromosomes (frequency: 0.0032) from individuals or families with Inherited Peripheral Neuropathies and was not identified in 4492 control chromosomes from healthy individuals (SchabhâˆšÂºttl_2014_PMID: 24627108; Antoniadi_2015_PMID: 26392352). The variant was also identified in dbSNP (ID: rs149715830) and in ClinVar where there are conflicting interpretations of pathogenicity for Charcot-Marie-Tooth disease type 4 from five submitters: 4x uncertain significance (Invitae, Illumina Clinical Services Laboratory, EGL Genetic Diagnostics, and Praxis fuer Humangenetik Tuebingen) and 1x likely benign by GeneDx. The variant was identified in control databases in 193 of 282028 chromosomes at a frequency of 0.000684 increasing the likelihood this could be a low frequency benign variant (Genome Aggregation Database Feb 27, 2017). The variant was observed in the following populations: European (non-Finnish) in 160 of 128602 chromosomes (freq: 0.001244), Other in 7 of 7216 chromosomes (freq: 0.00097), European (Finnish) in 12 of 25114 chromosomes (freq: 0.000478), African in 8 of 24778 chromosomes (freq: 0.000323), Ashkenazi Jewish in 2 of 10336 chromosomes (freq: 0.000194), Latino in 3 of 35432 chromosomes (freq: 0.000085) and South Asian in 1 of 30616 chromosomes (freq: 0.000033); it was not observed in the East Asian population. The variant occurs outside of the splicing consensus sequence and in silico or computational prediction software programs (SpliceSiteFinder, MaxEntScan, NNSPLICE, and GeneSplicer) do not predict a difference in splicing. The p.Val525 residue is not conserved in mammals and four out of five computational analyses (PolyPhen-2, AlignGVGD, BLOSUM, and MutationTaster) do not suggest a high likelihood of impact to the protein; however, this information is not predictive enough to rule out pathogenicity. In summary, based on the above information the clinical significance of this variant cannot be determined with certainty at this time. This variant is classified as a variant of uncertain significance.

Inherited Neuropathy Consortium
Classification: Uncertain significance for Charcot-Marie-Tooth disease. Review status: no assertion criteria provided. Collection method: literature only. Allele origin: germline. Affected: yes. Not counted in ClinVar's aggregate classification.

Joint Genome Diagnostic Labs from Nijmegen and Maastricht, Radboudumc and MUMC+
Classification: Likely benign. Review status: no assertion criteria provided. Collection method: clinical testing. Allele origin: germline. Affected: yes. Study: VKGL Data-share Consensus. Not counted in ClinVar's aggregate classification.

Literature cited by the submitters: PubMed 24627108 (cited by 5 submitters); PubMed 26392352 (cited by 3 submitters); PubMed 32085570 (cited by Mayo Clinic Laboratories, Mayo Clinic); PubMed 32376792 (cited by 4 submitters); PubMed 36413997 (cited by Athena Diagnostics); PubMed 31664448 (cited by Athena Diagnostics and Women's Health and Genetics/Laboratory Corporation of America, LabCorp); PubMed 25188385 (cited by Athena Diagnostics).

NM_181882.3(PRX):c.1574T>C (p.Val525Ala)

Gene: PRX (periaxin; minus strand). Cytogenetic location: 19q13.2.
Variant type: single nucleotide variant.
Coding change: c.1574T>C on transcript NM_181882.3 (MANE Select); coding-DNA position 1574, T replaced by C.
Protein change: p.Val525Ala; replaces valine 525 with alanine.
Molecular consequence: missense variant. On other transcripts: 3 prime UTR variant (1).
Genome position (GRCh38, 1-based): chr19:40,396,778, A>G on the plus strand (T>C on the coding strand, the complement: PRX is on the minus strand). VCF-style: chr19-40396778-A-G. GRCh37 (hg19) VCF-style: chr19-40902685-A-G.
Other names: c.*1779T>C (NM_020956.2); short protein forms V525A.
Identifiers: ClinVar variation 242179 (VCV000242179.75), dbSNP rs149715830, ClinGen allele CA9444239.